The following is an entry in ClinVar:

ClinVar aggregate classification (germline): Uncertain significance. Review status: criteria provided, multiple submitters, no conflicts (2 of 4 stars). 2 submissions from 2 submitters: Uncertain significance (2). Last evaluated 2024-10-23.

Conditions:
Kabuki syndrome. Also called: Kabuki make-up syndrome; NIIKAWA-KUROKI SYNDROME. Identifiers: Orphanet 2322, MedGen C0796004, MONDO:0016512.

Submissions (2):

GeneDx
Classification: Uncertain significance. Last evaluated: 2024-10-23. Review status: criteria provided, single submitter. Criteria: GeneDx Variant Classification Process June 2021. Collection method: clinical testing. Allele origin: germline. Affected: yes.
Comment: Not observed at significant frequency in large population cohorts (gnomAD); In silico analysis indicates that this variant does not alter protein structure/function; Has not been previously published as pathogenic or benign to our knowledge

Labcorp Genetics (formerly Invitae), Labcorp
Classification: Uncertain significance for Kabuki syndrome. Last evaluated: 2023-12-21. Review status: criteria provided, single submitter. Criteria: Invitae Variant Classification Sherloc (09022015). Collection method: clinical testing. Allele origin: germline.
Comment: This variant, c.8370_8371delinsCA, is a complex sequence change that results in the deletion of 2 and insertion of 2 amino acid(s) in the KMT2D protein (p.Gln2790_Leu2791delinsHisMet). Information on the frequency of this variant in the gnomAD database is not available, as this variant may be reported differently in the database. This variant has not been reported in the literature in individuals affected with KMT2D-related conditions. Experimental studies and prediction algorithms are not available or were not evaluated, and the functional significance of this variant is currently unknown. In summary, the available evidence is currently insufficient to determine the role of this variant in disease. Therefore, it has been classified as a Variant of Uncertain Significance.

NM_003482.4(KMT2D):c.8370_8371delinsCA (p.Gln2790_Leu2791delinsHisMet)

Gene: KMT2D (lysine methyltransferase 2D; minus strand). Cytogenetic location: 12q13.12.
Variant type: Indel.
Coding change: c.8370_8371delinsCA on transcript NM_003482.4 (MANE Select); coding-DNA positions 8370 to 8371, AC replaced by CA.
Protein change: p.Gln2790_Leu2791delinsHisMet.
Molecular consequence: missense variant.
Genome position (GRCh38, 1-based): chr12:49,038,985-49,038,986, GT replaced by TG on the plus strand (AC replaced by CA on the coding strand, the reverse complement: KMT2D is on the minus strand). VCF-style: chr12-49038985-GT-TG. GRCh37 (hg19) VCF-style: chr12-49432768-GT-TG.
Other names: c.8370_8371delACinsCA, p.Gln2790_Leu2791delinsHisMet (NM_003482.3); c.8370_8371delinsCA (NM_003482.3).
Identifiers: ClinVar variation 2857098 (VCV002857098.4), dbSNP rs2498389960, ClinGen allele CA2739272016.